The following is an entry in ClinVar:

NM_001458.5(FLNC):c.98C>T (p.Pro33Leu)

Gene: FLNC (filamin C; plus strand). Cytogenetic location: 7q32.1.
Variant type: single nucleotide variant.
Coding change: c.98C>T on transcript NM_001458.5 (MANE Select); coding-DNA position 98, C replaced by T.
Protein change: p.Pro33Leu; replaces proline 33 with leucine.
Molecular consequence: missense variant.
Genome position (GRCh38, 1-based): chr7:128,830,735, C>T. VCF-style: chr7-128830735-C-T. GRCh37 (hg19) VCF-style: chr7-128470789-C-T.
Other names: c.98C>T, p.Pro33Leu (NM_001127487.2); short protein forms P33L.
Identifiers: ClinVar variation 3908025 (VCV003908025.1).

ClinVar aggregate classification (germline): Uncertain significance (1 of 4 stars; one submission).

Submission:

GeneDx
Classification: Uncertain significance. Last evaluated: 2024-12-29. Review status: criteria provided, single submitter. Criteria: GeneDx Variant Classification Process June 2021. Collection method: clinical testing. Allele origin: germline. Affected: yes.
Comment: Not observed at significant frequency in large population cohorts (gnomAD); In silico analysis supports that this missense variant has a deleterious effect on protein structure/function; Has not been previously published as pathogenic or benign to our knowledge